The following is an entry in ClinVar:

NM_001018115.3(FANCD2):c.571-3C>T

Genes: FANCD2 (FA complementation group D2; plus strand), LOC107303338 (3p25 FANCD2 Alu-mediated recombination region; plus strand). Cytogenetic location: 3p25.3.
Variant type: single nucleotide variant.
Coding change: c.571-3C>T on transcript NM_001018115.3 (MANE Select); 3 bases into the intron before coding-DNA position 571, C replaced by T.
Molecular consequence: intron variant.
Genome position (GRCh38, 1-based): chr3:10,039,718, C>T. VCF-style: chr3-10039718-C-T. GRCh37 (hg19) VCF-style: chr3-10081402-C-T.
Other names: c.571-3C>T (NM_033084.4, NM_001319984.2, NM_001374253.1 and 3 more transcripts).
Identifiers: ClinVar variation 844394 (VCV000844394.8), dbSNP rs191386799, ClinGen allele CA2249279.

ClinVar aggregate classification (germline): Uncertain significance. Review status: criteria provided, multiple submitters, no conflicts (2 of 4 stars). 2 submissions from 2 submitters: Uncertain significance (2). Last evaluated 2024-03-20.

Conditions:
Fanconi anemia complementation group D2. Also called: FANCONI PANCYTOPENIA, TYPE 4; FANCONI ANEMIA, COMPLEMENTATION GROUP D; FANCD2-Related Fanconi Anemia. Identifiers: Orphanet 84, MedGen C3160738, MONDO:0009214, OMIM 227646.
Fanconi anemia (FA). Also called: Fanconi's anemia. Identifiers: Orphanet 84, MedGen C0015625, MeSH D005199, MONDO:0019391.

Allele frequency attached by ClinVar (database versions not stated): gnomAD exomes 0.00002 and 0.00004; TOPMed 0.00002; gnomAD 0.00003 and 0.00004; ExAC 0.00006; ESP Exome Variant Server 0.00008; 1000 Genomes Project 30x 0.00016; 1000 Genomes Project 0.00020.
gnomAD v4.1: 28 of 1,614,102 alleles (0.0017%); highest among the groups gnomAD compares: Admixed American, 0.012%; no homozygotes.

Submissions (2):

Fulgent Genetics
Classification: Uncertain significance for Fanconi anemia complementation group D2. Last evaluated: 2024-03-20. Review status: criteria provided, single submitter. Criteria: ACMG Guidelines, 2015. Collection method: clinical testing. Allele origin: germline.

Labcorp Genetics (formerly Invitae), Labcorp
Classification: Uncertain significance for Fanconi anemia. Last evaluated: 2022-07-18. Review status: criteria provided, single submitter. Criteria: Invitae Variant Classification Sherloc (09022015). Collection method: clinical testing. Allele origin: germline.
Comment: This sequence change falls in intron 8 of the FANCD2 gene. It does not directly change the encoded amino acid sequence of the FANCD2 protein. It affects a nucleotide within the consensus splice site. This variant is present in population databases (rs191386799, gnomAD 0.01%). This variant has not been reported in the literature in individuals affected with FANCD2-related conditions. ClinVar contains an entry for this variant (Variation ID: 844394). Variants that disrupt the consensus splice site are a relatively common cause of aberrant splicing (PMID: 17576681, 9536098). Algorithms developed to predict the effect of sequence changes on RNA splicing suggest that this variant is not likely to affect RNA splicing. In summary, the available evidence is currently insufficient to determine the role of this variant in disease. Therefore, it has been classified as a Variant of Uncertain Significance.

Literature cited by the submitters: PubMed 17576681 (cited by Labcorp Genetics (formerly Invitae), Labcorp); PubMed 9536098 (cited by Labcorp Genetics (formerly Invitae), Labcorp).